The following is an entry in ClinVar:

NM_148919.4(PSMB8):c.22G>A (p.Gly8Arg)

Gene: PSMB8 (proteasome 20S subunit beta 8; minus strand). Cytogenetic location: 6p21.32.
Variant type: single nucleotide variant.
Coding change: c.22G>A on transcript NM_148919.4 (MANE Select); coding-DNA position 22, G replaced by A.
Protein change: p.Gly8Arg; replaces glycine 8 with arginine.
Molecular consequence: missense variant. On other transcripts: intron variant (1).
Genome position (GRCh38, 1-based): chr6:32,843,975, C>T on the plus strand (G>A on the coding strand, the complement: PSMB8 is on the minus strand). VCF-style: chr6-32843975-C-T. GRCh37 (hg19) VCF-style: chr6-32811752-C-T.
Other names: c.135+304G>A (LRG_1328t2, NM_004159.5); c.22G>A, p.Gly8Arg (LRG_1328t1); short protein forms G8R.
Identifiers: ClinVar variation 356370 (VCV000356370.51), dbSNP rs114772012, ClinGen allele CA3746516.

ClinVar aggregate classification (germline): Benign/Likely benign. Review status: criteria provided, multiple submitters, no conflicts (2 of 4 stars). 10 submissions from 10 submitters: Benign (5); Likely benign (3). 2 of the submissions do not count toward it. Last evaluated 2026-09-01.

Conditions:
Proteosome-associated autoinflammatory syndrome. Also called: Proteasome-associated autoinflammatory syndrome. Identifiers: Orphanet 324977, MedGen C1850568, MONDO:0009726.
Proteasome-associated autoinflammatory syndrome 1 (PRAAS1). Also called: AUTOINFLAMMATION, LIPODYSTROPHY, AND DERMATOSIS SYNDROME; NAKAJO-NISHIMURA SYNDROME; CHRONIC ATYPICAL NEUTROPHILIC DERMATOSIS WITH LIPODYSTROPHY AND ELEVATED TEMPERATURE SYNDROME; JOINT CONTRACTURES, MUSCULAR ATROPHY, MICROCYTIC ANEMIA, AND PANNICULITIS-INDUCED LIPODYSTROPHY; JMP SYNDROME; Nakajo syndrome. Identifiers: Orphanet 2615, Orphanet 324977, Orphanet 324999, Orphanet 325004, MedGen C4746851, MONDO:0054698, OMIM 256040.
Autoinflammatory syndrome. Identifiers: Orphanet 93665, MedGen C3890737, MONDO:0019751.

Allele frequency attached by ClinVar (database versions not stated): 1000 Genomes Project 0.01677; 1000 Genomes Project 30x 0.01796; ExAC 0.01909; gnomAD exomes 0.01922 and 0.02051; TOPMed 0.02064; ESP Exome Variant Server 0.02169; gnomAD 0.02280 and 0.02384.
gnomAD v4.1: 33,301 of 1,612,242 alleles (2.1%); highest among the groups gnomAD compares: African/African-American, 2.5%; 397 homozygotes.

Submissions (10):

CeGaT Center for Human Genetics Tuebingen
Classification: Benign. Last evaluated: 2026-09-01. Review status: criteria provided, single submitter. Criteria: CeGaT Center For Human Genetics Tuebingen Variant Classification Criteria Version 2. Collection method: clinical testing. Allele origin: germline. Affected: yes. Observed: 51 variant alleles.
Comment: PSMB8: BS1, BS2

Labcorp Genetics (formerly Invitae), Labcorp
Classification: Benign for Proteosome-associated autoinflammatory syndrome. Last evaluated: 2026-02-03. Review status: criteria provided, single submitter. Criteria: Invitae Variant Classification Sherloc (09022015). Collection method: clinical testing. Allele origin: germline.

Women's Health and Genetics/Laboratory Corporation of America, LabCorp
Classification: Likely benign. Last evaluated: 2026-01-22. Review status: criteria provided, single submitter. Criteria: LabCorp Variant Classification Summary - May 2015. Collection method: clinical testing. Allele origin: germline.

Blueprint Genetics
Classification: Likely benign. Last evaluated: 2024-11-26. Review status: criteria provided, single submitter. Criteria: ACMG Guidelines, 2015. Collection method: clinical testing. Allele origin: germline.

Center for Genomics, Ann and Robert H. Lurie Children's Hospital of Chicago
Classification: Likely benign for Proteasome-associated autoinflammatory syndrome 1. Last evaluated: 2022-08-08. Review status: criteria provided, single submitter. Criteria: ACMG Guidelines, 2015. Collection method: clinical testing. Allele origin: germline.
Comment: PSMB8 NM_148919.3 exon 1 p.Gly8Arg (c.22G>A): This variant has been reported in the literature in at least 1 individual with PASH (Pyoderma Gangrenosum, Acne, and Suppurative Hidradenitis) syndrome (Marzano 2014 PMID:25501066). This variant is present in 4.6% (494/10576) of Finnish alleles, including 5 homozygotes, with similar frequencies across other sub-populations in the Genome Aggregation Database. This variant is present in ClinVar (Variation ID:356370). Evolutionary conservation for this variant is limited, though 2 other species (squirrel and squirrel monkey) carry this variant amino acid (Arginine) as their wild type; computational predictive tools suggest that this variant may not impact the protein. In summary, this variant is not expected to cause disease and is classified as benign.

Mayo Clinic Laboratories, Mayo Clinic
Classification: Benign. Last evaluated: 2022-05-25. Review status: criteria provided, single submitter. Criteria: ACMG Guidelines, 2015. Collection method: clinical testing. Allele origin: germline. Observed: 40 variant alleles.
Comment: BS1, BS2

Genome Diagnostics Laboratory, The Hospital for Sick Children
Classification: Benign for Autoinflammatory syndrome. Last evaluated: 2022-01-29. Review status: criteria provided, single submitter. Criteria: ACMG Guidelines, 2015. Collection method: clinical testing. Allele origin: germline. Affected: yes.

Illumina Laboratory Services, Illumina
Classification: Benign for Proteasome-associated autoinflammatory syndrome 1. Last evaluated: 2018-01-13. Review status: criteria provided, single submitter. Criteria: ICSL Variant Classification Criteria 13 December 2019. Collection method: clinical testing. Allele origin: germline.
Comment: This variant was observed in the ICSL laboratory as part of a predisposition screen in an ostensibly healthy population. It had not been previously curated by ICSL or reported in the Human Gene Mutation Database (HGMD: prior to June 1st, 2018), and was therefore a candidate for classification through an automated scoring system. Utilizing variant allele frequency, disease prevalence and penetrance estimates, and inheritance mode, an automated score was calculated to assess if this variant is too frequent to cause the disease. Based on the score and internal cut-off values, a variant classified as benign is not then subjected to further curation. The score for this variant resulted in a classification of benign for this disease.

Genome Diagnostics Laboratory, University Medical Center Utrecht
Classification: Likely benign. Review status: no assertion criteria provided. Collection method: clinical testing. Allele origin: germline. Affected: yes. Study: VKGL Data-share Consensus. Not counted in ClinVar's aggregate classification.

Laboratory of Diagnostic Genome Analysis, Leiden University Medical Center (LUMC)
Classification: Likely benign. Review status: no assertion criteria provided. Collection method: clinical testing. Allele origin: germline. Affected: yes. Study: VKGL Data-share Consensus. Not counted in ClinVar's aggregate classification.